The following is an entry in ClinVar:

NM_007294.4(BRCA1):c.2979A>G (p.Lys993=)

Gene: BRCA1 (BRCA1 DNA repair associated; minus strand). Cytogenetic location: 17q21.31.
Variant type: single nucleotide variant.
Coding change: c.2979A>G on transcript NM_007294.4 (MANE Select); coding-DNA position 2979, A replaced by G.
Protein change: p.Lys993=; no amino-acid change (lysine 993 retained).
Molecular consequence: synonymous variant. On other transcripts: intron variant (137).
Genome position (GRCh38, 1-based): chr17:43,092,552, T>C on the plus strand (A>G on the coding strand, the complement: BRCA1 is on the minus strand). VCF-style: chr17-43092552-T-C. GRCh37 (hg19) VCF-style: chr17-41244569-T-C.
Other names: NP_009225.1:p.Lys993=; c.2766A>G, p.Lys922= (NM_001407571.1, NM_001407853.1, NM_001407894.1 and 9 more transcripts); c.2979A>G, p.Lys993= (NM_001407581.1, NM_001407582.1, NM_001407583.1 and 30 more transcripts); c.2976A>G, p.Lys992= (NM_001407587.1, NM_001407590.1, NM_001407591.1 and 22 more transcripts); c.2898A>G, p.Lys966= (NM_001407661.1, NM_001407662.1, NM_001407659.1 and 1 more transcripts); c.2901A>G, p.Lys967= (NM_001407663.1, NM_001407653.1, NM_001407654.1 and 4 more transcripts); c.2856A>G, p.Lys952= (NM_001407664.1, NM_001407665.1, NM_001407666.1 and 19 more transcripts); c.2853A>G, p.Lys951= (NM_001407670.1, NM_001407671.1, NM_001407672.1 and 11 more transcripts); and 42 more.
Identifiers: ClinVar variation 183786 (VCV000183786.40), dbSNP rs772854836, ClinGen allele CA001935.
Genomic context (GRCh38, chr17:43,092,552, plus strand): 5'-TTCTCTTTCAGGTGACATTGAATGTTCCTCAAAGTTTTCCTCTAGCAGATTTTTCTTACA[T>C]TTAGTTTTAACAAATGACTTGATGGGAAAAAGTGGTGGTATACGATATGGGTTTTGTAAA-3'
Protein context (NP_009225.1, residues 983-1003): LFPIKSFVKT[Lys993=]CKKNLLEENF

ClinVar aggregate classification (germline): Likely benign. Review status: reviewed by expert panel (3 of 4 stars). 11 submissions from 11 submitters: Likely benign (1). 10 of the submissions do not count toward it. Last evaluated 2017-06-29.

Conditions:
Malignant tumor of breast. Also called: Malignant breast neoplasm; Cancer breast. Identifiers: MedGen C0006142, MONDO:0007254. Disease mechanism: loss of function.
Hereditary breast ovarian cancer syndrome. Also called: Hereditary breast and ovarian cancer syndrome; Hereditary breast and ovarian cancer syndrome (HBOC); BRCA1- and BRCA2-Associated Hereditary Breast and Ovarian Cancer; Breast and ovarian cancer; Hereditary breast and ovarian cancer; Hereditary breast and/or ovarian cancer syndrome. Identifiers: Orphanet 145, MedGen C0677776, MeSH D061325, MONDO:0003582. Disease mechanism: loss of function.
Breast-ovarian cancer, familial, susceptibility to, 1 (BROVCA1). Also called: OVARIAN CANCER, SUSCEPTIBILITY TO; BRCA1 Hereditary Breast and Ovarian Cancer. Identifiers: Orphanet 145, MedGen C2676676, MONDO:0011450, OMIM 604370. Disease mechanism: loss of function.
Hereditary cancer-predisposing syndrome. Also called: Hereditary Cancer Syndrome; Hereditary neoplastic syndrome; Tumor predisposition; Neoplastic Syndromes, Hereditary. Identifiers: Orphanet 140162, MedGen C0027672, MeSH D009386, MONDO:0015356.

Allele frequency attached by ClinVar (database versions not stated): ExAC 0.00002; gnomAD exomes 0.00002 and 0.00004.
gnomAD v4.1: 37 of 1,614,092 alleles (0.0023%); highest among the groups gnomAD compares: South Asian, 0.037%; no homozygotes.

Submissions (11):

Evidence-based Network for the Interpretation of Germline Mutant Alleles (ENIGMA)
Classification: Likely benign for Breast-ovarian cancer, familial, susceptibility to, 1. Last evaluated: 2017-06-29. Review status: reviewed by expert panel. Criteria: ENIGMA BRCA1/2 Classification Criteria (2017-06-29). Collection method: curation. Allele origin: germline.
Comment: Synonymous substitution variant, with low bioinformatic likelihood to result in a splicing aberration (Splicing prior probability 0.02).

Labcorp Genetics (formerly Invitae), Labcorp
Classification: Likely benign for Hereditary breast ovarian cancer syndrome. Last evaluated: 2025-10-18. Review status: criteria provided, single submitter. Criteria: Invitae Variant Classification Sherloc (09022015). Collection method: clinical testing. Allele origin: germline. Not counted in ClinVar's aggregate classification.

All of Us Research Program, National Institutes of Health
Classification: Likely benign for Breast-ovarian cancer, familial, susceptibility to, 1. Last evaluated: 2024-02-05. Review status: criteria provided, single submitter. Criteria: ACMG Guidelines, 2015. Collection method: clinical testing. Allele origin: germline. Inheritance: Autosomal dominant inheritance. Observed: 1 variant allele, 1 heterozygote. Not counted in ClinVar's aggregate classification.
Comment: This study involves interpretation of variants in research participants for the purpose of population health screening. Participant phenotype was not available at the time of variant classification. Additional details can be found in publication PMID: 35346344, PMCID: PMC8962531

Women's Health and Genetics/Laboratory Corporation of America, LabCorp
Classification: Likely benign. Last evaluated: 2022-11-14. Review status: criteria provided, single submitter. Criteria: LabCorp Variant Classification Summary - May 2015. Collection method: clinical testing. Allele origin: germline. Not counted in ClinVar's aggregate classification.

Sema4
Classification: Likely benign for Hereditary cancer-predisposing syndrome. Last evaluated: 2022-02-07. Review status: criteria provided, single submitter. Criteria: Sema4 Curation Guidelines. Collection method: curation. Allele origin: germline. Not counted in ClinVar's aggregate classification.

National Health Laboratory Service, Universitas Academic Hospital and University of the Free State
Classification: Likely benign for Hereditary breast ovarian cancer syndrome. Last evaluated: 2021-11-16. Review status: criteria provided, single submitter. Criteria: ACMG Guidelines, 2015. Collection method: clinical testing. Allele origin: germline. Affected: yes. Observed: 1 variant allele. Not counted in ClinVar's aggregate classification.

Quest Diagnostics Nichols Institute San Juan Capistrano
Classification: Benign. Last evaluated: 2021-07-30. Review status: criteria provided, single submitter. Criteria: Quest Diagnostics criteria. Collection method: clinical testing. Allele origin: unknown. Not counted in ClinVar's aggregate classification.

GeneDx
Classification: Likely benign. Last evaluated: 2019-06-20. Review status: criteria provided, single submitter. Criteria: GeneDx Variant Classification Process June 2021. Collection method: clinical testing. Allele origin: germline. Affected: yes. Not counted in ClinVar's aggregate classification.

Color Diagnostics, LLC DBA Color Health
Classification: Likely benign for Hereditary cancer-predisposing syndrome. Last evaluated: 2016-12-23. Review status: criteria provided, single submitter. Criteria: ACMG Guidelines, 2015. Collection method: clinical testing. Allele origin: germline. Not counted in ClinVar's aggregate classification.

Ambry Genetics
Classification: Likely benign for Hereditary cancer-predisposing syndrome. Last evaluated: 2014-07-02. Review status: criteria provided, single submitter. Criteria: Ambry Variant Classification Scheme 2023. Collection method: clinical testing. Allele origin: germline. Not counted in ClinVar's aggregate classification.

Department of Pathology and Laboratory Medicine, Sinai Health System
Classification: Likely benign for Malignant tumor of breast. Review status: no assertion criteria provided. Collection method: clinical testing. Allele origin: unknown. Affected: yes. Study: The Canadian Open Genetics Repository (COGR). Not counted in ClinVar's aggregate classification.
Comment: The BRCA1 p.Lys993= variant was identified in 1 of 14,102 proband chromosomes (frequency: 0.00007) from individuals with breast cancer and was not identified in 22,482 control chromosomes from healthy individuals (Momozawa 2018). The variant was identified in dbSNP (rs772854836) as â€šÃ„Ãºwith likely benign alleleâ€šÃ„Ã¹, ClinVar (classified as likely benign by Ambry Genetics, Color, GeneDx and 2 other submitters), LOVD 3.0 (observed 4x) and UMD-LSDB (observed 1x). The variant was identified in control databases in 9 of 250,458 chromosomes at a frequency of 0.00004 (Genome Aggregation Database Feb 27, 2017). The variant was observed in the following populations: South Asian in 8 of 30,606 chromosomes (freq: 0.0003) and Other in 1 of 6086 chromosomes (freq: 0.0002); it was not observed in the African, Latino, Ashkenazi Jewish, East Asian, Finnish or European populations. The p.Lys993= variant is not expected to have clinical significance because it does not result in a change of amino acid and it occurs at a non-conserved nucleotide outside of the splicing consensus sequence. In addition, in silico or computational prediction software programs (SpliceSiteFinder, MaxEntScan, NNSPLICE, GeneSplicer) do not predict a difference in splicing. In summary, based on the above information, the clinical significance of this variant cannot be determined with certainty at this time although we would lean towards a more benign role for this variant. This variant is classified as likely benign.

Literature cited by the submitters: DOI 10.3389/fgene.2022.834265 (cited by National Health Laboratory Service, Universitas Academic Hospital and University of the Free State); PubMed 30287823 (cited by Quest Diagnostics Nichols Institute San Juan Capistrano).